The following is an entry in ClinVar:

NM_006912.6(RIT1):c.106+15C>T

Gene: RIT1 (Ras like without CAAX 1; minus strand). Cytogenetic location: 1q22.
Variant type: single nucleotide variant.
Coding change: c.106+15C>T on transcript NM_006912.6 (MANE Select); 15 bases into the intron after coding-DNA position 106, C replaced by T.
Molecular consequence: intron variant.
Genome position (GRCh38, 1-based): chr1:155,910,641, G>A on the plus strand (C>T on the coding strand, the complement: RIT1 is on the minus strand). VCF-style: chr1-155910641-G-A. GRCh37 (hg19) VCF-style: chr1-155880432-G-A.
Other names: c.-2-135C>T (NM_001256820.2); c.157+15C>T (NM_001256821.2); c.106+15C>T (LRG_1372t1).
Identifiers: ClinVar variation 517957 (VCV000517957.11), dbSNP rs755316223, ClinGen allele CA1151901.

ClinVar aggregate classification (germline): Benign/Likely benign. Review status: criteria provided, multiple submitters, no conflicts (2 of 4 stars). 5 submissions from 5 submitters: Benign (2); Likely benign (3). Last evaluated 2026-01-12.

Conditions:
Noonan syndrome 8 (NS8). Identifiers: Orphanet 648, MedGen C3809233, MONDO:0014143, OMIM 615355.

Allele frequency attached by ClinVar (database versions not stated): ExAC 0.00004; TOPMed 0.00005; gnomAD 0.00006; gnomAD exomes 0.00006 and 0.00019.
gnomAD v4.1: 283 of 1,612,244 alleles (0.018%); highest among the groups gnomAD compares: Non-Finnish European, 0.024%; no homozygotes.

Submissions (5):

Labcorp Genetics (formerly Invitae), Labcorp
Classification: Likely benign for Noonan syndrome 8. Last evaluated: 2026-01-12. Review status: criteria provided, single submitter. Criteria: Invitae Variant Classification Sherloc (09022015). Collection method: clinical testing. Allele origin: germline.

Genome-Nilou Lab
Classification: Benign for Noonan syndrome 8. Last evaluated: 2023-04-11. Review status: criteria provided, single submitter. Criteria: ACMG Guidelines, 2015. Collection method: clinical testing. Allele origin: germline. Affected: no.

Blueprint Genetics
Classification: Likely benign. Last evaluated: 2022-03-10. Review status: criteria provided, single submitter. Criteria: ACMG Guidelines, 2015. Collection method: clinical testing. Allele origin: germline.

Women's Health and Genetics/Laboratory Corporation of America, LabCorp
Classification: Benign. Last evaluated: 2020-08-24. Review status: criteria provided, single submitter. Criteria: LabCorp Variant Classification Summary - May 2015. Collection method: clinical testing. Allele origin: germline.
Comment: Variant summary: RIT1 c.106+15C>T alters a non-conserved nucleotide located close to a canonical splice site and therefore could affect mRNA splicing, leading to a significantly altered protein sequence. 4/4 computational tools predict no significant impact on normal splicing. However, these predictions have yet to be confirmed by functional studies. The variant allele was found at a frequency of 6e-05 in 251040 control chromosomes, predominantly at a frequency of 0.00013 within the Non-Finnish European subpopulation in the gnomAD database. The observed variant frequency within Non-Finnish European control individuals in the gnomAD database is approximately 10-fold of the estimated maximal expected allele frequency for a pathogenic variant in RIT1 causing Noonan Syndrome phenotype (1.3e-05), strongly suggesting that the variant is a benign polymorphism found primarily in populations of Non-Finnish European origin. To our knowledge, no occurrence of c.106+15C>T in individuals affected with Noonan Syndrome and no experimental evidence demonstrating its impact on protein function have been reported. One clinical diagnostic laboratory has submitted clinical-significance assessments for this variant to ClinVar after 2014 without evidence for independent evaluation, and classified the variant as likely benign. Based on the evidence outlined above, the variant was classified as benign.

GeneDx
Classification: Likely benign. Last evaluated: 2017-06-15. Review status: criteria provided, single submitter. Criteria: GeneDx Variant Classification (06012015). Collection method: clinical testing. Allele origin: germline. Affected: yes.
Comment: This variant is considered likely benign or benign based on one or more of the following criteria: it is a conservative change, it occurs at a poorly conserved position in the protein, it is predicted to be benign by multiple in silico algorithms, and/or has population frequency not consistent with disease.